The following is an entry in ClinVar:

ClinVar aggregate classification (germline): Uncertain significance (1 of 4 stars; one submission).

Conditions:
Sotos syndrome (SOTOS). Also called: Sotos' syndrome; Distinctive facial appearance, overgrowth in childhood, and learning disabilities or delayed development; CHROMOSOME 5q35 DELETION SYNDROME; CEREBRAL GIGANTISM; SOTOS SYNDROME 1. Identifiers: Orphanet 821, MedGen C0175695, MONDO:0019349, OMIM 117550.

Submission:

MGZ Medical Genetics Center
Classification: Uncertain significance for Sotos syndrome. Last evaluated: 2021-08-04. Review status: criteria provided, single submitter. Criteria: ACMG Guidelines, 2015. Collection method: clinical testing. Allele origin: germline. Affected: yes. Observed: 1 variant allele.
Comment: ACMG criteria applied: PM2_SUP, PP2, PP4

NM_022455.5(NSD1):c.3440A>G (p.Glu1147Gly)

Gene: NSD1 (nuclear receptor binding SET domain protein 1; plus strand). Cytogenetic location: 5q35.3.
Variant type: single nucleotide variant.
Coding change: c.3440A>G on transcript NM_022455.5 (MANE Select); coding-DNA position 3440, A replaced by G.
Protein change: p.Glu1147Gly; replaces glutamic acid 1147 with glycine.
Molecular consequence: missense variant.
Genome position (GRCh38, 1-based): chr5:177,211,839, A>G. VCF-style: chr5-177211839-A-G. GRCh37 (hg19) VCF-style: chr5-176638840-A-G.
Other names: c.2567A>G, p.Glu856Gly (NM_001365684.2, NM_001409306.1, NM_001409307.1 and 3 more transcripts); c.3440A>G, p.Glu1147Gly (NM_001409301.1, NM_001409302.1, NM_001409303.1); c.3020A>G, p.Glu1007Gly (NM_001409304.1); c.2687A>G, p.Glu896Gly (NM_001409305.1); short protein forms E1007G, E1147G, E856G, E878G, E896G.
Identifiers: ClinVar variation 1709754 (VCV001709754.3), dbSNP rs2480465617, ClinGen allele CA362324633.